The following is an entry in ClinVar:

NM_001128178.3(NPHP1):c.1162A>G (p.Thr388Ala)

Gene: NPHP1 (nephrocystin 1; minus strand). Cytogenetic location: 2q13.
Variant type: single nucleotide variant.
Coding change: c.1162A>G on transcript NM_001128178.3 (MANE Select); coding-DNA position 1162, A replaced by G.
Protein change: p.Thr388Ala; replaces threonine 388 with alanine.
Molecular consequence: missense variant.
Genome position (GRCh38, 1-based): chr2:110,148,023, T>C on the plus strand (A>G on the coding strand, the complement: NPHP1 is on the minus strand). VCF-style: chr2-110148023-T-C. GRCh37 (hg19) VCF-style: chr2-110905600-T-C.
Other names: c.1330A>G (NM_000272.3); c.1330A>G, p.Thr444Ala (NM_000272.5); c.973A>G, p.Thr325Ala (NM_001128179.3); c.1159A>G, p.Thr387Ala (NM_001374256.1); c.1162A>G, p.Thr388Ala (NM_001374257.1); c.1327A>G, p.Thr443Ala (NM_207181.4); short protein forms T387A, T443A, T325A, T388A, T444A.
Identifiers: ClinVar variation 1403517 (VCV001403517.9), dbSNP rs755943785, ClinGen allele CA1827102.
Genomic context (GRCh38, chr2:110,148,023, plus strand): 5'-GAGATGCAGAATTAGACCTGATAAAGCAATCACCATCAAGCAAACATGGTAAGATGCGAG[T>C]AACCTGAAATGATAAAGAAATTAAAGTTATTGATAAAAATAAAAAATGGGAAGGGGGTTT-3'
Protein context (NP_001121650.1, residues 378-398): PKTWTFSPQV[Thr388Ala]RILPCLLDGD

ClinVar aggregate classification (germline): Uncertain significance. Review status: criteria provided, multiple submitters, no conflicts (2 of 4 stars). 2 submissions from 2 submitters: Uncertain significance (2). Last evaluated 2025-09-29.

Conditions:
NPHP1-related disorder. Also called: NPHP1-related disorders; NPHP1-related condition.
Nephronophthisis. Also called: Juvenile Nephronophthisis. Identifiers: Orphanet 655, MedGen C0687120, MONDO:0019005, HP:0000090.

Allele frequency attached by ClinVar (database versions not stated): gnomAD exomes below 0.00001 and 0.00001; TOPMed 0.00001; ExAC 0.00002.
gnomAD v4.1: 4 of 1,575,176 alleles (0.00025%); highest among the groups gnomAD compares: South Asian, 0.0033%; no homozygotes.

Submissions (2):

PreventionGenetics, part of Exact Sciences
Classification: Uncertain significance for NPHP1-related condition. Last evaluated: 2025-09-29. Review status: criteria provided, single submitter. Criteria: ACMG Guidelines, 2015. Collection method: clinical testing. Allele origin: germline.
Comment: The NPHP1 c.1330A>G variant is predicted to result in the amino acid substitution p.Thr444Ala. To our knowledge, this variant has not been reported in the literature. This variant is reported in 0.0065% of alleles in individuals of South Asian descent in gnomAD. At this time, the clinical significance of this variant is uncertain due to the absence of conclusive functional and genetic evidence.

Labcorp Genetics (formerly Invitae), Labcorp
Classification: Uncertain significance for Nephronophthisis. Last evaluated: 2025-08-21. Review status: criteria provided, single submitter. Criteria: Invitae Variant Classification Sherloc (09022015). Collection method: clinical testing. Allele origin: germline.
Comment: This sequence change replaces threonine, which is neutral and polar, with alanine, which is neutral and non-polar, at codon 444 of the NPHP1 protein (p.Thr444Ala). This variant is present in population databases (rs755943785, gnomAD 0.007%). This variant has not been reported in the literature in individuals affected with NPHP1-related conditions. ClinVar contains an entry for this variant (Variation ID: 1403517). Invitae Evidence Modeling of protein sequence and biophysical properties (such as structural, functional, and spatial information, amino acid conservation, physicochemical variation, residue mobility, and thermodynamic stability) indicates that this missense variant is not expected to disrupt NPHP1 protein function with a negative predictive value of 80%. In summary, the available evidence is currently insufficient to determine the role of this variant in disease. Therefore, it has been classified as a Variant of Uncertain Significance.